The following is an entry in ClinVar:

NM_024675.3(PALB2):c.3350+1090_*1278dup

Gene: PALB2 (partner and localizer of BRCA2; minus strand). Cytogenetic location: 16p12.2.
Variant type: Duplication.
Coding change: c.3350+1090_*1278dup on transcript NM_024675.3; 1090 bases into the intron after coding-DNA position 3350 through 1278 bases downstream of the stop codon, this stretch duplicated.
Other names: c.3350+1090_*1278dup (LRG_308t1).
Identifiers: ClinVar variation 430694 (VCV000430694.5), ClinGen allele CA645372597.

ClinVar aggregate classification (germline): Likely pathogenic (1 of 4 stars; one submission).

Conditions:
Familial cancer of breast. Also called: hereditary breast carcinoma; Hereditary breast cancer; BREAST CANCER, FAMILIAL. Identifiers: Orphanet 227535, MedGen C0346153, MONDO:0016419, OMIM 114480. Disease mechanism: loss of function.

Submission:

Diagnostic Molecular Genetics Laboratory, Memorial Sloan Kettering Cancer Center
Classification: Likely pathogenic for Familial cancer of breast. Last evaluated: 2017-06-07. Review status: criteria provided, single submitter. Criteria: Submitter's publication. Collection method: clinical testing, research. Allele origin: germline, not applicable. Inheritance: Autosomal dominant inheritance. Affected: yes. Observed: 1 variant allele, 1 heterozygote. Functional consequence: effect on RNA splicing.
Comment: This mutation very likely confers an increased susceptibility to breast cancer and pancreatic cancer. Functional studies of PALB2 exon 13 duplication demonstrated that this duplication disrupts normal mRNA splicing and presumably leads to a frameshift and premature protein truncation.